The following is an entry in ClinVar:

ClinVar aggregate classification (germline): Uncertain significance (1 of 4 stars; one submission).

Submission:

GeneDx
Classification: Uncertain significance. Last evaluated: 2023-01-03. Review status: criteria provided, single submitter. Criteria: GeneDx Variant Classification Process June 2021. Collection method: clinical testing. Allele origin: germline. Affected: yes.
Comment: Not observed at significant frequency in large population cohorts (gnomAD); In silico analysis supports a deleterious effect on splicing; Has not been previously published as pathogenic or benign to our knowledge

NM_004408.4(DNM1):c.386-12C>A

Genes: DNM1 (dynamin 1; plus strand), LOC113839516 (Sharpr-MPRA regulatory region 8497; plus strand). Cytogenetic location: 9q34.11.
Variant type: single nucleotide variant.
Coding change: c.386-12C>A on transcript NM_004408.4 (MANE Select); 12 bases into the intron before coding-DNA position 386, C replaced by A.
Molecular consequence: intron variant.
Genome position (GRCh38, 1-based): chr9:128,219,037, C>A. VCF-style: chr9-128219037-C-A. GRCh37 (hg19) VCF-style: chr9-130981316-C-A.
Other names: c.386-12C>A (NM_001005336.3, NM_001374269.1, NM_001288738.2 and 2 more transcripts).
Identifiers: ClinVar variation 2572772 (VCV002572772.1), dbSNP rs2538979222, ClinGen allele CA2580616320.
Genomic context (GRCh38, chr9:128,219,037, plus strand): 5'-CCGCCCTATTCTTTAACCTCGCCCGCGGCCACGCCCCTCGCCTTGAGCCCGCCCTCTCGC[C>A]GCCCTGTCCAGTGCTGAACCTGACCCTGGTGGACCTGCCCGGAATGACCAAGGTCCCGGT-3'